The following is an entry in ClinVar:

NM_001013703.4(EIF2AK4):c.1660+189T>C

Gene: EIF2AK4 (eukaryotic translation initiation factor 2 alpha kinase 4; plus strand). Cytogenetic location: 15q15.1.
Variant type: single nucleotide variant.
Coding change: c.1660+189T>C on transcript NM_001013703.4 (MANE Select); 189 bases into the intron after coding-DNA position 1660, T replaced by C.
Molecular consequence: intron variant.
Genome position (GRCh38, 1-based): chr15:39,973,203, T>C. VCF-style: chr15-39973203-T-C. GRCh37 (hg19) VCF-style: chr15-40265404-T-C.
Identifiers: ClinVar variation 674642 (VCV000674642.1), dbSNP rs2307106, ClinGen allele CA268735001.

ClinVar aggregate classification (germline): Benign (1 of 4 stars; one submission).

Allele frequency attached by ClinVar (database versions not stated): 1000 Genomes Project 0.84385; 1000 Genomes Project 30x 0.84463; TOPMed 0.90164; gnomAD 0.91282 and 0.91693.
gnomAD v4.1: 138,992 of 152,242 alleles (91%); highest among the groups gnomAD compares: Middle Eastern, 97%; 63,878 homozygotes.

Submission:

GeneDx
Classification: Benign. Last evaluated: 2018-06-14. Review status: criteria provided, single submitter. Criteria: GeneDx Variant Classification (06012015). Collection method: clinical testing. Allele origin: germline. Affected: yes.
Comment: This variant is considered likely benign or benign based on one or more of the following criteria: it is a conservative change, it occurs at a poorly conserved position in the protein, it is predicted to be benign by multiple in silico algorithms, and/or has population frequency not consistent with disease.